The following is an entry in ClinVar:

NM_021930.6(RINT1):c.1465A>G (p.Ile489Val)

Gene: RINT1 (RAD50 interactor 1; plus strand). Cytogenetic location: 7q22.3.
Variant type: single nucleotide variant.
Coding change: c.1465A>G on transcript NM_021930.6 (MANE Select); coding-DNA position 1465, A replaced by G.
Protein change: p.Ile489Val; replaces isoleucine 489 with valine.
Molecular consequence: missense variant. On other transcripts: non-coding transcript variant (1).
Genome position (GRCh38, 1-based): chr7:105,551,701, A>G. VCF-style: chr7-105551701-A-G. GRCh37 (hg19) VCF-style: chr7-105192148-A-G.
Other names: c.1231A>G, p.Ile411Val (NM_001346599.2); c.442A>G, p.Ile148Val (NM_001346600.2, NM_001346603.2); c.541A>G, p.Ile181Val (NM_001346601.2); short protein forms I411V, I148V, I489V, I181V.
Identifiers: ClinVar variation 661074 (VCV000661074.8), dbSNP rs1586243760, ClinGen allele CA368810587.

ClinVar aggregate classification (germline): Uncertain significance (1 of 4 stars; one submission).

Allele frequency attached by ClinVar (database versions not stated): TOPMed below 0.00001; gnomAD exomes 0.00001.
gnomAD v4.1: 8 of 1,594,872 alleles (0.0005%); highest among the groups gnomAD compares: Non-Finnish European, 0.00068%; no homozygotes.

Submission:

Labcorp Genetics (formerly Invitae), Labcorp
Classification: Uncertain significance. Last evaluated: 2024-04-30. Review status: criteria provided, single submitter. Criteria: Invitae Variant Classification Sherloc (09022015). Collection method: clinical testing. Allele origin: germline.
Comment: This sequence change replaces isoleucine, which is neutral and non-polar, with valine, which is neutral and non-polar, at codon 489 of the RINT1 protein (p.Ile489Val). This variant is not present in population databases (gnomAD no frequency). This missense change has been observed in individual(s) with breast cancer (PMID: 25050558). ClinVar contains an entry for this variant (Variation ID: 661074). An algorithm developed to predict the effect of missense changes on protein structure and function (PolyPhen-2) suggests that this variant is likely to be tolerated. In summary, the available evidence is currently insufficient to determine the role of this variant in disease. Therefore, it has been classified as a Variant of Uncertain Significance.

Literature cited by the submitters: PubMed 25050558.